The following is an entry in ClinVar:

NM_001379451.1(BCORL1):c.712C>T (p.Pro238Ser)

Gene: BCORL1 (BCL6 corepressor like 1; plus strand). Cytogenetic location: Xq26.1.
Variant type: single nucleotide variant.
Coding change: c.712C>T on transcript NM_001379451.1 (MANE Select); coding-DNA position 712, C replaced by T.
Protein change: p.Pro238Ser; replaces proline 238 with serine.
Molecular consequence: missense variant.
Genome position (GRCh38, 1-based): chrX:130,013,484, C>T. VCF-style: chrX-130013484-C-T. GRCh37 (hg19) VCF-style: chrX-129147460-C-T.
Other names: c.712C>T, p.Pro238Ser (NM_001184772.3, NM_001379450.1, NM_021946.5); short protein forms P238S.
Identifiers: ClinVar variation 1800939 (VCV001800939.1), dbSNP rs2522650006, ClinGen allele CA414572912.

ClinVar aggregate classification (germline): Uncertain significance (1 of 4 stars; one submission).

Submission:

GeneDx
Classification: Uncertain significance. Last evaluated: 2022-05-26. Review status: criteria provided, single submitter. Criteria: GeneDx Variant Classification Process June 2021. Collection method: clinical testing. Allele origin: germline. Affected: yes.
Comment: Not observed at significant frequency in large population cohorts (gnomAD); In silico analysis supports that this missense variant does not alter protein structure/function; Has not been previously published as pathogenic or benign to our knowledge